The following is an entry in ClinVar:

ClinVar aggregate classification (germline): Conflicting classifications of pathogenicity. Review status: criteria provided, conflicting classifications (1 of 4 stars). 5 submissions from 5 submitters: Uncertain significance (3); Likely benign (1). 1 of the submissions does not count toward it. Last evaluated 2026-01-25.

Conditions:
PKHD1-related disorder. Also called: PKHD1-related condition.
Autosomal recessive polycystic kidney disease (ARPKD). Also called: AR polycystic kidney disease. Identifiers: Orphanet 731, Orphanet 8378, MedGen C0085548, MeSH D017044, MONDO:0009889.

Allele frequency attached by ClinVar (database versions not stated): 1000 Genomes Project 30x 0.00062; gnomAD 0.00099 and 0.00095; ESP Exome Variant Server 0.00100; ExAC 0.00034; TOPMed 0.00105; gnomAD exomes 0.00020 and 0.00007; 1000 Genomes Project 0.00040.
gnomAD v4.1: 249 of 1,613,832 alleles (0.015%); highest among the groups gnomAD compares: African/African-American, 0.32%; no homozygotes.

Submissions (5):

Labcorp Genetics (formerly Invitae), Labcorp
Classification: Likely benign for Autosomal recessive polycystic kidney disease. Last evaluated: 2026-01-25. Review status: criteria provided, single submitter. Criteria: Invitae Variant Classification Sherloc (09022015). Collection method: clinical testing. Allele origin: germline.

GeneDx
Classification: Uncertain significance. Last evaluated: 2025-12-11. Review status: criteria provided, single submitter. Criteria: GeneDx Variant Classification Process June 2021. Collection method: clinical testing. Allele origin: germline.
Comment: In silico analysis supports that this missense variant has a deleterious effect on protein structure/function; Has not been previously published as pathogenic or benign to our knowledge

Mayo Clinic Laboratories, Mayo Clinic
Classification: Uncertain significance. Last evaluated: 2020-04-23. Review status: criteria provided, single submitter. Criteria: ACMG Guidelines, 2015. Collection method: clinical testing. Allele origin: germline. Observed: 2 variant alleles.

Eurofins Ntd Llc (ga)
Classification: Uncertain significance. Last evaluated: 2018-02-09. Review status: criteria provided, single submitter. Criteria: EGL ClinVar v180209 classification definitions. Collection method: clinical testing. Allele origin: germline. Observed: 6 variant alleles, 6 heterozygotes.

PreventionGenetics, part of Exact Sciences
Classification: Likely benign for PKHD1-related condition. Last evaluated: 2023-08-03. Review status: no assertion criteria provided. Collection method: clinical testing. Allele origin: germline. Not counted in ClinVar's aggregate classification.
Comment: This variant is classified as likely benign based on ACMG/AMP sequence variant interpretation guidelines (Richards et al. 2015 PMID: 25741868, with internal and published modifications).

NM_138694.4(PKHD1):c.11002G>T (p.Asp3668Tyr)

Gene: PKHD1 (PKHD1 ciliary IPT domain containing fibrocystin/polyductin; minus strand). Cytogenetic location: 6p12.3.
Variant type: single nucleotide variant.
Coding change: c.11002G>T on transcript NM_138694.4 (MANE Select); coding-DNA position 11002, G replaced by T.
Protein change: p.Asp3668Tyr; replaces aspartic acid 3668 with tyrosine.
Molecular consequence: missense variant.
Genome position (GRCh38, 1-based): chr6:51,659,124, C>A on the plus strand (G>T on the coding strand, the complement: PKHD1 is on the minus strand). VCF-style: chr6-51659124-C-A. GRCh37 (hg19) VCF-style: chr6-51523922-C-A.
Other names: short protein forms D3668Y.
Identifiers: ClinVar variation 497601 (VCV000497601.24), dbSNP rs114237522, ClinGen allele CA3850975.
Genomic context (GRCh38, chr6:51,659,124, plus strand): 5'-TCTGTAATTTGTTACTTGATAAGGATGAAATCATTCCAGTGCTCCTTACTGTTGGCGAAT[C>A]ACCAATTTCAATGACAATCACTTTTGAGATAGTTTCCACAGTCATTGGGGGTGAAGCCCT-3'
Protein context (NP_619639.3, residues 3658-3678): ISKVIVIEIG[Asp3668Tyr]SPTVRSTGMI